The following is an entry in ClinVar:

NC_000022.11:g.36481648_36481649insGA

Gene: TXN2 (thioredoxin 2; minus strand). Cytogenetic location: 22q12.3.
Variant type: Insertion.
Genome position: GRCh38 VCF-style: chr22-36481648-G-GGA. GRCh37 (hg19) VCF-style: chr22-36877695-G-GGA.
Identifiers: ClinVar variation 1294498 (VCV001294498.3), dbSNP rs35045487, ClinGen allele CA323971314.

ClinVar aggregate classification (germline): Benign (1 of 4 stars; one submission).

Allele frequency attached by ClinVar (database versions not stated): 1000 Genomes Project 0.27656.

Submission:

GeneDx
Classification: Benign. Last evaluated: 2019-08-23. Review status: criteria provided, single submitter. Criteria: GeneDx Variant Classification Process June 2021. Collection method: clinical testing. Allele origin: germline. Affected: yes.
Comment: This variant is associated with the following publications: (PMID: 19165900)